The following is an entry in ClinVar:

ClinVar aggregate classification (germline): Likely pathogenic (1 of 4 stars; one submission).

Conditions:
Developmental delay with variable intellectual impairment and behavioral abnormalities. Identifiers: MedGen C5193092, MONDO:0032745, OMIM 618430.

Submission:

3billion
Classification: Likely pathogenic for Developmental delay with variable intellectual impairment and behavioral abnormalities. Last evaluated: 2022-05-22. Review status: criteria provided, single submitter. Criteria: ACMG Guidelines, 2015. Collection method: clinical testing. Allele origin: germline. Affected: yes. Observed: 1 heterozygote.
Comment: The variant is not observed in the gnomAD v2.1.1 dataset. Frameshift: predicted to result in a loss or disruption of normal protein function through nonsense-mediated decay (NMD) or protein truncation. Multiple pathogenic variants are reported downstream of the variant. Therefore, this variant is classified as likely pathogenic according to the recommendation of ACMG/AMP guideline.

NM_001378418.1(TCF20):c.5569_5570dup (p.Cys1858fs)

Gene: TCF20 (transcription factor 20; minus strand). Cytogenetic location: 22q13.2.
Variant type: Duplication.
Coding change: c.5569_5570dup on transcript NM_001378418.1 (MANE Select); coding-DNA positions 5569 to 5570, 2 bases duplicated (GG; older notation c.5569_5570dupGG).
Protein change: p.Cys1858fs; shifts the reading frame from cysteine 1858.
Molecular consequence: frameshift variant.
Genome position (GRCh38, 1-based): chr22:42,209,736-42,209,737, CC duplicated on the plus strand (GG on the coding strand, the reverse complement: TCF20 is on the minus strand); duplicating any 2 consecutive bases within chr22:42,209,736-42,209,738 gives the same sequence; the c. name uses the placement nearest the transcript's 3' end. VCF-style (leftmost placement, unchanged base first): chr22-42209735-A-ACC. GRCh37 (hg19) VCF-style: chr22-42605741-A-ACC.
Other names: c.5569_5570dup, p.Cys1858fs (NM_005650.4, NM_181492.3); short protein forms C1858fs.
Identifiers: ClinVar variation 1687294 (VCV001687294.1), dbSNP rs2147193652, ClinGen allele CA2573158189.